The following is an entry in ClinVar:

NM_001267550.2(TTN):c.37502C>T (p.Pro12501Leu)

Gene: TTN (titin; minus strand). Cytogenetic location: 2q31.2.
Variant type: single nucleotide variant.
Coding change: c.37502C>T on transcript NM_001267550.2 (MANE Select); coding-DNA position 37502, C replaced by T.
Protein change: p.Pro12501Leu; replaces proline 12501 with leucine.
Molecular consequence: missense variant. On other transcripts: intron variant (5).
Genome position (GRCh38, 1-based): chr2:178,658,746, G>A on the plus strand (C>T on the coding strand, the complement: TTN is on the minus strand). VCF-style: chr2-178658746-G-A. GRCh37 (hg19) VCF-style: chr2-179523473-G-A.
Other names: c.13283-16429C>T (NM_003319.4); c.13859-16429C>T (NM_133437.4); c.13658-16429C>T (NM_133432.3); c.31741+259C>T (NM_133378.4); c.34522+259C>T (NM_001256850.1); c.37502C>T (LRG_391t1); short protein forms P12501L.
Identifiers: ClinVar variation 467082 (VCV000467082.12), dbSNP rs1236045684, ClinGen allele CA349484155.

ClinVar aggregate classification (germline): Conflicting classifications of pathogenicity. Review status: criteria provided, conflicting classifications (1 of 4 stars). 6 submissions from 6 submitters: Uncertain significance (3); Likely benign (3). Last evaluated 2026-03-02.

Conditions:
Dilated cardiomyopathy 1G (CMD1G). Identifiers: Orphanet 154, MedGen C1858763, MONDO:0011400, OMIM 604145.
Autosomal recessive limb-girdle muscular dystrophy type 2J (LGMDR10). Also called: Limb-girdle muscular dystrophy, type 2J; MUSCULAR DYSTROPHY, LIMB-GIRDLE, AUTOSOMAL RECESSIVE 10. Identifiers: Orphanet 140922, MedGen C1837342, MONDO:0012127, OMIM 608807.
Primary dilated cardiomyopathy (DCM). Also called: Dilated Cardiomyopathy. Identifiers: Orphanet 217604, MedGen C0007193, MeSH D002311, MONDO:0005021, HP:0001644. Inheritance: Various modes of inheritance.
TTN-related disorder. Also called: TTN-related disorders; TTN-related condition; TTN-related disease.

Allele frequency attached by ClinVar (database versions not stated): gnomAD 0.00010.

Submissions (6):

PreventionGenetics, part of Exact Sciences
Classification: Uncertain significance for TTN-related condition. Last evaluated: 2026-03-02. Review status: criteria provided, single submitter. Criteria: ACMG Guidelines, 2015. Collection method: clinical testing. Allele origin: germline.
Comment: The TTN c.37502C>T variant is predicted to result in the amino acid substitution p.Pro12501Leu. This variant has been reported in a cohort of individuals with dilated cardiomyopathy (Table S2b, Al-Shafai et al. 2021. PubMed ID: 34137518). This variant is reported in 0.035% of alleles in individuals of African descent in gnomAD. This variant falls within a highly paralogous region, and therefore allele frequency data should be interpreted with caution. At this time, the clinical significance of this variant is uncertain due to the absence of conclusive functional and genetic evidence.

CeGaT Center for Human Genetics Tuebingen
Classification: Likely benign. Last evaluated: 2026-01-01. Review status: criteria provided, single submitter. Criteria: CeGaT Center For Human Genetics Tuebingen Variant Classification Criteria Version 2. Collection method: clinical testing. Allele origin: germline. Affected: yes. Observed: 1 variant allele.
Comment: TTN: BP4

Blueprint Genetics
Classification: Likely benign. Last evaluated: 2024-05-30. Review status: criteria provided, single submitter. Criteria: ACMG Guidelines, 2015. Collection method: clinical testing. Allele origin: germline.

Athena Diagnostics
Classification: Uncertain significance. Last evaluated: 2018-04-18. Review status: criteria provided, single submitter. Criteria: Athena Diagnostics Criteria. Collection method: clinical testing. Allele origin: germline.

Labcorp Genetics (formerly Invitae), Labcorp
Classification: Uncertain significance for Dilated cardiomyopathy 1G; Autosomal recessive limb-girdle muscular dystrophy type 2J. Last evaluated: 2017-05-16. Review status: criteria provided, single submitter. Criteria: Invitae Variant Classification Sherloc (09022015). Collection method: clinical testing. Allele origin: germline.

Genetics and Genomics Program, Sidra Medicine
Classification: Likely benign for Primary dilated cardiomyopathy. Review status: criteria provided, single submitter. Criteria: ACMG Guidelines, 2015. Collection method: research. Allele origin: unknown. Affected: yes. Observed: 1 variant allele.